The following is an entry in ClinVar:

ClinVar aggregate classification (germline): Uncertain significance (1 of 4 stars; one submission).

Conditions:
EPHB4-related disorder. Also called: EPHB4-related disorders; EPHB4-related condition.

Submission:

PreventionGenetics, part of Exact Sciences
Classification: Uncertain significance for EPHB4-related condition. Last evaluated: 2022-10-10. Review status: criteria provided, single submitter. Criteria: ACMG Guidelines, 2015. Collection method: clinical testing. Allele origin: germline.
Comment: The EPHB4 c.1807G>A variant is predicted to result in the amino acid substitution p.Val603Met. To our knowledge, this variant has not been reported in the literature or in a large population database, indicating this variant is rare. At this time, the clinical significance of this variant is uncertain due to the absence of conclusive functional and genetic evidence.

NM_004444.5(EPHB4):c.1807G>A (p.Val603Met)

Gene: EPHB4 (EPH receptor B4; minus strand). Cytogenetic location: 7q22.1.
Variant type: single nucleotide variant.
Coding change: c.1807G>A on transcript NM_004444.5 (MANE Select); coding-DNA position 1807, G replaced by A.
Protein change: p.Val603Met; replaces valine 603 with methionine.
Molecular consequence: missense variant.
Genome position (GRCh38, 1-based): chr7:100,813,158, C>T on the plus strand (G>A on the coding strand, the complement: EPHB4 is on the minus strand). VCF-style: chr7-100813158-C-T. GRCh37 (hg19) VCF-style: chr7-100410780-C-T.
Other names: short protein forms V603M.
Identifiers: ClinVar variation 2637128 (VCV002637128.1), dbSNP rs2485017364, ClinGen allele CA368570641.